The following is an entry in ClinVar:

NM_152703.5(SAMD9L):c.483G>T (p.Leu161Phe)

Gene: SAMD9L (sterile alpha motif domain containing 9 like; minus strand). Cytogenetic location: 7q21.2.
Variant type: single nucleotide variant.
Coding change: c.483G>T on transcript NM_152703.5 (MANE Select); coding-DNA position 483, G replaced by T.
Protein change: p.Leu161Phe; replaces leucine 161 with phenylalanine.
Molecular consequence: missense variant.
Genome position (GRCh38, 1-based): chr7:93,135,489, C>A on the plus strand (G>T on the coding strand, the complement: SAMD9L is on the minus strand). VCF-style: chr7-93135489-C-A. GRCh37 (hg19) VCF-style: chr7-92764802-C-A.
Other names: c.483G>T (NM_001303497.1, NM_152703.2); c.483G>T, p.Leu161Phe (NM_001303496.3, NM_001303497.3, NM_001303498.3 and 5 more transcripts); short protein forms L161F.
Identifiers: ClinVar variation 1474656 (VCV001474656.12), dbSNP rs375402434, ClinGen allele CA161963333.

ClinVar aggregate classification (germline): Uncertain significance. Review status: criteria provided, multiple submitters, no conflicts (2 of 4 stars). 4 submissions from 4 submitters: Uncertain significance (3). 1 of the submissions does not count toward it. Last evaluated 2025-12-03.

Conditions:
Ataxia-pancytopenia syndrome (ATXPC). Also called: SAMD9L Ataxia-Pancytopenia Syndrome; SAMD9L-Related Syndrome. Identifiers: Orphanet 2585, MedGen C1327919, MONDO:0008038, OMIM 159550.
SAMD9L-related disorder. Also called: SAMD9L-related disorders; SAMD9L-related condition.
Inborn genetic diseases. Identifiers: MedGen C0950123, MeSH D030342.

Allele frequency attached by ClinVar (database versions not stated): gnomAD exomes 0.00001; gnomAD 0.00003 and 0.00004; TOPMed 0.00003; ESP Exome Variant Server 0.00008.
gnomAD v4.1: 49 of 1,613,990 alleles (0.003%); highest among the groups gnomAD compares: Non-Finnish European, 0.0037%; no homozygotes.

Submissions (4):

Labcorp Genetics (formerly Invitae), Labcorp
Classification: Uncertain significance. Last evaluated: 2025-12-03. Review status: criteria provided, single submitter. Criteria: Invitae Variant Classification Sherloc (09022015). Collection method: clinical testing. Allele origin: germline.
Comment: This sequence change replaces leucine, which is neutral and non-polar, with phenylalanine, which is neutral and non-polar, at codon 161 of the SAMD9L protein (p.Leu161Phe). This variant is present in population databases (rs375402434, gnomAD 0.002%). This variant has not been reported in the literature in individuals affected with SAMD9L-related conditions. ClinVar contains an entry for this variant (Variation ID: 1474656). An algorithm developed to predict the effect of missense changes on protein structure and function (PolyPhen-2) suggests that this variant is likely to be tolerated. In summary, the available evidence is currently insufficient to determine the role of this variant in disease. Therefore, it has been classified as a Variant of Uncertain Significance.

Ambry Genetics
Classification: Uncertain significance for Inborn genetic diseases. Last evaluated: 2024-11-24. Review status: criteria provided, single submitter. Criteria: Ambry Variant Classification Scheme 2023. Collection method: clinical testing. Allele origin: germline.
Comment: The p.L161F variant (also known as c.483G>T), located in coding exon 1 of the SAMD9L gene, results from a G to T substitution at nucleotide position 483. The leucine at codon 161 is replaced by phenylalanine, an amino acid with highly similar properties. This amino acid position is conserved. In addition, this alteration is predicted to be tolerated by in silico analysis. Based on the available evidence, the clinical significance of this variant remains unclear.

St. Jude Molecular Pathology, St. Jude Children's Research Hospital
Classification: Uncertain significance for Ataxia-pancytopenia syndrome. Last evaluated: 2022-02-24. Review status: criteria provided, single submitter. Criteria: St. Jude Assertion Criteria 2020. Collection method: clinical testing. Allele origin: germline.
Comment: The SAMD9L c.483G>T (p.Leu161Phe) missense change has a maximum subpopulation frequency of 0.0017% in gnomAD v2.1.1. Seven of seven in silico tools predict a benign effect of this variant on protein function, but to our knowledge these predictions have not been confirmed by functional assays. However, In silico predictions have not been found to correlate with syndromic risk and are thus not considered supporting evidence of a pathogenic or benign effect (PMID: 34621053). To our knowledge, this variant has not been reported in individuals with ataxia-pancytopenia syndrome. In summary, this variant meets criteria to be classified as of uncertain significance based on the ACMG/AMP criteria: No criteria met

PreventionGenetics, part of Exact Sciences
Classification: Uncertain significance for SAMD9L-related condition. Last evaluated: 2024-08-16. Review status: no assertion criteria provided. Collection method: clinical testing. Allele origin: germline. Not counted in ClinVar's aggregate classification.
Comment: The SAMD9L c.483G>T variant is predicted to result in the amino acid substitution p.Leu161Phe. To our knowledge, this variant has not been reported in the literature. This variant is reported in 0.0018% of alleles in individuals of European (Non-Finnish) descent in gnomAD. This variant is interpreted as a variant of uncertain significance in ClinVar. At this time, the clinical significance of this variant is uncertain due to the absence of conclusive functional and genetic evidence.